The following is an entry in ClinVar:

ClinVar aggregate classification (germline): Uncertain significance (1 of 4 stars; one submission).

Conditions:
Hemochromatosis type 1 (HFE1). Also called: HFE-Associated Hereditary Hemochromatosis; HFE-Related Hemochromatosis. Identifiers: Orphanet 465508, MedGen C3469186, MONDO:0021001, OMIM 235200. Disease mechanism: loss of function.

Allele frequency attached by ClinVar (database versions not stated): gnomAD exomes below 0.00001; TOPMed below 0.00001.
gnomAD v4.1: 1 of 1,613,896 alleles (0.000062%); highest among the groups gnomAD compares: Non-Finnish European, 0.000085%; no homozygotes.

Submission:

Clinical Genomics Laboratory, Stanford Medicine
Classification: Uncertain significance for Hemochromatosis type 1. Last evaluated: 2021-07-02. Review status: criteria provided, single submitter. Criteria: ACMG Guidelines, 2015. Collection method: clinical testing. Allele origin: germline. Affected: yes. Observed: 1 heterozygote.
Comment: •The p.Phe326Ile variant in the HFEgene has not been previously reported in association with disease. •This variant was absent from large population databases, including the Genome Aggregation Database. •Computational tools predict that this variant does not impact protein function; however, the accuracy of in silicoalgorithms is limited. •These data were assessed using the ACMG/AMP variant interpretation guidelines. •In summary, the significance of the p.Phe326Ile variant is uncertain. Additional information is needed to resolve the significance of this variant.[ACMG evidence codes used: PM2; BP4]

NM_000410.4(HFE):c.976T>A (p.Phe326Ile)

Gene: HFE (homeostatic iron regulator; plus strand). Cytogenetic location: 6p22.2.
Variant type: single nucleotide variant.
Coding change: c.976T>A on transcript NM_000410.4 (MANE Select); coding-DNA position 976, T replaced by A.
Protein change: p.Phe326Ile; replaces phenylalanine 326 with isoleucine.
Molecular consequence: missense variant.
Genome position (GRCh38, 1-based): chr6:26,093,202, T>A. VCF-style: chr6-26093202-T-A. GRCh37 (hg19) VCF-style: chr6-26093430-T-A.
Other names: p.Phe326Ile; c.976T>A, p.Phe326Ile (NM_001300749.3, NM_001384164.1); c.967T>A, p.Phe323Ile (NM_001406751.1); c.712T>A, p.Phe238Ile (NM_001406752.1, NM_139007.3); c.658T>A, p.Phe220Ile (NM_139003.3); c.700T>A, p.Phe234Ile (NM_139004.3); c.934T>A, p.Phe312Ile (NM_139006.3); c.670T>A, p.Phe224Ile (NM_139008.3); and 3 more; short protein forms F146I, F220I, F224I, F234I, F238I, F303I, F312I, F323I.
Identifiers: ClinVar variation 3233283 (VCV003233283.1), dbSNP rs1214213770, ClinGen allele CA363209637.